The following is an entry in ClinVar:

ClinVar aggregate classification (germline): Pathogenic (1 of 4 stars; one submission).

Conditions:
Combined immunodeficiency due to DOCK8 deficiency (HIES2). Also called: HIES autosomal recessive; DOCK8 Deficiency; Hyper-IgE recurrent infection syndrome, autosomal recessive; HYPER-IgE RECURRENT INFECTION SYNDROME 2, AUTOSOMAL RECESSIVE; HYPER-IgE SYNDROME 2, AUTOSOMAL RECESSIVE, WITH RECURRENT INFECTIONS. Identifiers: Orphanet 217390, MedGen C4722305, MONDO:0009478, OMIM 243700.

Submission:

Labcorp Genetics (formerly Invitae), Labcorp
Classification: Pathogenic for Combined immunodeficiency due to DOCK8 deficiency. Last evaluated: 2019-01-04. Review status: criteria provided, single submitter. Criteria: Invitae Variant Classification Sherloc (09022015). Collection method: clinical testing. Allele origin: germline.
Comment: This sequence change creates a premature translational stop signal (p.Ala1170Trpfs*27) in the DOCK8 gene. It is expected to result in an absent or disrupted protein product. This variant is not present in population databases (ExAC no frequency). This variant has not been reported in the literature in individuals with DOCK8-related conditions. Loss-of-function variants in DOCK8 are known to be pathogenic (PMID: 14722525, 19776401). For these reasons, this variant has been classified as Pathogenic.

Literature cited by the submitters: PubMed 14722525; PubMed 19776401.

NM_203447.4(DOCK8):c.3500_3507dup (p.Ala1170fs)

Gene: DOCK8 (dedicator of cytokinesis 8; plus strand). Cytogenetic location: 9p24.3.
Variant type: Duplication.
Coding change: c.3500_3507dup on transcript NM_203447.4 (MANE Select); coding-DNA positions 3500 to 3507, 8 bases duplicated (TGGCTGCT; older notation c.3500_3507dupTGGCTGCT).
Protein change: p.Ala1170fs; shifts the reading frame from alanine 1170.
Molecular consequence: frameshift variant.
Genome position (GRCh38, 1-based): chr9:407,039-407,046, TGGCTGCT duplicated. VCF-style (leftmost placement, unchanged base first): chr9-407038-C-CTGGCTGCT. GRCh37 (hg19) VCF-style: chr9-407038-C-CTGGCTGCT.
Other names: c.3200_3207dup, p.Ala1070fs (NM_001190458.2); c.3296_3303dup, p.Ala1102fs (NM_001193536.2); short protein forms A1070fs, A1170fs, A1102fs.
Identifiers: ClinVar variation 860084 (VCV000860084.8), dbSNP rs112659914, ClinGen allele CA187767255.